The following is an entry in ClinVar:

NM_000202.8(IDS):c.476A>C (p.His159Pro)

Genes: IDS (iduronate 2-sulfatase; minus strand), LOC106050102 (IDS recombination region; plus strand). Cytogenetic location: Xq28.
Variant type: single nucleotide variant.
Coding change: c.476A>C on transcript NM_000202.8 (MANE Select); coding-DNA position 476, A replaced by C.
Protein change: p.His159Pro; replaces histidine 159 with proline.
Molecular consequence: missense variant. On other transcripts: non-coding transcript variant (1).
Genome position (GRCh38, 1-based): chrX:149,500,980, T>G on the plus strand (A>C on the coding strand, the complement: IDS is on the minus strand). VCF-style: chrX-149500980-T-G. GRCh37 (hg19) VCF-style: chrX-148582511-T-G.
Other names: c.206A>C, p.His69Pro (NM_001166550.4); c.476A>C, p.His159Pro (NM_006123.5); short protein forms H159P, H69P.
Identifiers: ClinVar variation 3255748 (VCV003255748.2).

ClinVar aggregate classification (germline): Likely pathogenic (1 of 4 stars; one submission).

Conditions:
Mucopolysaccharidosis, MPS-II (MPS2). Also called: Hunter Syndrome; IDURONATE 2-SULFATASE DEFICIENCY; Mucopolysaccharidosis Type II; Mucopolysaccharidosis type 2; Attenuated MPS (subtype; formerly known as mild MPS II); Severe MPS II. Identifiers: Orphanet 580, Orphanet 79388, MedGen C0026705, MONDO:0010674, OMIM 309900.

Submission:

Laboratory of Diagnosis and Therapy of Lysosomal Disorders, University of Padova
Classification: Likely pathogenic for Mucopolysaccharidosis, MPS-II. Last evaluated: 2024-06-07. Review status: criteria provided, single submitter. Criteria: ACMG Guidelines, 2015. Collection method: literature only. Allele origin: germline. Affected: yes. Observed: 2 variant alleles.
Comment: Absent from controls (or at low frequency) in gnomAD database (PM2_Moderate), Missense variant in a gene with a low rate of benign missense variation (PP2_Supporting), Multiple lines of computational evidence support a deleterious effect (PP3_Supporting), Patient’s phenotype or family history highly specific for the disease (PP4_Strong)

Classification method: ACMG Guidelines [PMID:25741868] with modifications

Literature cited by the submitters: PubMed 9921913; PubMed 33676511.